The following is an entry in ClinVar:

ClinVar aggregate classification (germline): Likely benign (1 of 4 stars; one submission).

Allele frequency attached by ClinVar (database versions not stated): gnomAD 0.00014; ExAC 0.00025.
gnomAD v4.1: 185 of 1,463,358 alleles (0.013%); highest among the groups gnomAD compares: Admixed American, 0.022%; 1 homozygote.

Submission:

CeGaT Center for Human Genetics Tuebingen
Classification: Likely benign. Last evaluated: 2023-03-01. Review status: criteria provided, single submitter. Criteria: CeGaT Center For Human Genetics Tuebingen Variant Classification Criteria Version 2. Collection method: clinical testing. Allele origin: germline. Affected: yes. Observed: 1 variant allele.
Comment: NEURL1: BP4, BP7

NM_004210.5(NEURL1):c.858G>A (p.Leu286=)

Gene: NEURL1 (neuralized E3 ubiquitin protein ligase 1; plus strand). Cytogenetic location: 10q24.33.
Variant type: single nucleotide variant.
Coding change: c.858G>A on transcript NM_004210.5 (MANE Select); coding-DNA position 858, G replaced by A.
Protein change: p.Leu286=; no amino-acid change (leucine 286 retained).
Molecular consequence: synonymous variant.
Genome position (GRCh38, 1-based): chr10:103,584,744, G>A. VCF-style: chr10-103584744-G-A. GRCh37 (hg19) VCF-style: chr10-105344501-G-A.
Identifiers: ClinVar variation 2640809 (VCV002640809.24), dbSNP rs781706160, ClinGen allele CA5675205.
Genomic context (GRCh38, chr10:103,584,744, plus strand): 5'-GCCGGCCGCCGGCTGCCCCATCCCGCAGAACTCACTCAACTCGCAGCACAGCCGCGCGCT[G>A]CCGGCGCAGCTCGACGGCGACCTGCGTTTCCACGCCCTGCGCGCCGGCGCGCACGTCCGC-3'
Protein context (NP_004201.3, residues 276-296): NSLNSQHSRA[Leu286=]PAQLDGDLRF